The following is an entry in ClinVar:

ClinVar aggregate classification (germline): Uncertain significance (1 of 4 stars; one submission).

Allele frequency attached by ClinVar (database versions not stated): gnomAD exomes below 0.00001; TOPMed below 0.00001; gnomAD 0.00001.
gnomAD v4.1: 3 of 1,603,778 alleles (0.00019%); highest among the groups gnomAD compares: Non-Finnish European, 0.00026%; no homozygotes.

Submission:

Ambry Genetics
Classification: Uncertain significance. Last evaluated: 2023-06-24. Review status: criteria provided, single submitter. Criteria: Ambry Variant Classification Scheme 2023. Collection method: clinical testing. Allele origin: germline.
Comment: The p.M2820I variant (also known as c.8460G>A), located in coding exon 62 of the PRKDC gene, results from a G to A substitution at nucleotide position 8460. The methionine at codon 2820 is replaced by isoleucine, an amino acid with highly similar properties. This amino acid position is conserved. In addition, this alteration is predicted to be tolerated by in silico analysis. Since supporting evidence is limited at this time, the clinical significance of this alteration remains unclear.

NM_006904.7(PRKDC):c.8460G>A (p.Met2820Ile)

Gene: PRKDC (protein kinase, DNA-activated, catalytic subunit; minus strand). Cytogenetic location: 8q11.21.
Variant type: single nucleotide variant.
Coding change: c.8460G>A on transcript NM_006904.7 (MANE Select); coding-DNA position 8460, G replaced by A.
Protein change: p.Met2820Ile; replaces methionine 2820 with isoleucine.
Molecular consequence: missense variant.
Genome position (GRCh38, 1-based): chr8:47,828,285, C>T on the plus strand (G>A on the coding strand, the complement: PRKDC is on the minus strand). VCF-style: chr8-47828285-C-T. GRCh37 (hg19) VCF-style: chr8-48740846-C-T.
Other names: c.8460G>A, p.Met2820Ile (NM_001081640.2); short protein forms M2820I.
Identifiers: ClinVar variation 2624568 (VCV002624568.2), dbSNP rs1238355407, ClinGen allele CA371144548.